The following is an entry in ClinVar:

ClinVar aggregate classification (germline): Uncertain significance (1 of 4 stars; one submission).

Allele frequency attached by ClinVar (database versions not stated): ExAC 0.00002; gnomAD exomes 0.00001.
gnomAD v4.1: 9 of 1,608,908 alleles (0.00056%); highest among the groups gnomAD compares: South Asian, 0.0011%; no homozygotes.

Submission:

Labcorp Genetics (formerly Invitae), Labcorp
Classification: Uncertain significance. Last evaluated: 2025-02-24. Review status: criteria provided, single submitter. Criteria: Invitae Variant Classification Sherloc (09022015). Collection method: clinical testing. Allele origin: germline.
Comment: This sequence change replaces tryptophan, which is neutral and slightly polar, with cysteine, which is neutral and slightly polar, at codon 296 of the TSEN54 protein (p.Trp296Cys). This variant is present in population databases (rs777686643, gnomAD 0.003%). This variant has not been reported in the literature in individuals affected with TSEN54-related conditions. ClinVar contains an entry for this variant (Variation ID: 2107938). Invitae Evidence Modeling of protein sequence and biophysical properties (such as structural, functional, and spatial information, amino acid conservation, physicochemical variation, residue mobility, and thermodynamic stability) has been performed for this missense variant. However, the output from this modeling did not meet the statistical confidence thresholds required to predict the impact of this variant on TSEN54 protein function. In summary, the available evidence is currently insufficient to determine the role of this variant in disease. Therefore, it has been classified as a Variant of Uncertain Significance.

NM_207346.3(TSEN54):c.888G>C (p.Trp296Cys)

Gene: TSEN54 (tRNA splicing endonuclease subunit 54; plus strand). Cytogenetic location: 17q25.1.
Variant type: single nucleotide variant.
Coding change: c.888G>C on transcript NM_207346.3 (MANE Select); coding-DNA position 888, G replaced by C.
Protein change: p.Trp296Cys; replaces tryptophan 296 with cysteine.
Molecular consequence: missense variant.
Genome position (GRCh38, 1-based): chr17:75,521,969, G>C. VCF-style: chr17-75521969-G-C. GRCh37 (hg19) VCF-style: chr17-73518050-G-C.
Other names: short protein forms W296C.
Identifiers: ClinVar variation 2107938 (VCV002107938.2), dbSNP rs777686643, ClinGen allele CA8764298.